The following is an entry in ClinVar:

NM_001288705.3(CSF1R):c.1879A>G (p.Lys627Glu)

Gene: CSF1R (colony stimulating factor 1 receptor; minus strand). Cytogenetic location: 5q32.
Variant type: single nucleotide variant.
Coding change: c.1879A>G on transcript NM_001288705.3 (MANE Select); coding-DNA position 1879, A replaced by G.
Protein change: p.Lys627Glu; replaces lysine 627 with glutamic acid.
Molecular consequence: missense variant. On other transcripts: non-coding transcript variant (2).
Genome position (GRCh38, 1-based): chr5:150,060,952, T>C on the plus strand (A>G on the coding strand, the complement: CSF1R is on the minus strand). VCF-style: chr5-150060952-T-C. GRCh37 (hg19) VCF-style: chr5-149440515-T-C.
Other names: c.1879A>G, p.Lys627Glu (NM_001349736.2, NM_001375320.1, NM_005211.4); c.1435A>G, p.Lys479Glu (NM_001375321.1); c.1879A>G (NM_005211.3); short protein forms K479E, K627E.
Identifiers: ClinVar variation 3619635 (VCV003619635.3).
Genomic context (GRCh38, chr5:150,060,952, plus strand): 5'-CGATGTTCTCGTGCTGGCCCAGGTGGCTCATGATCTTCAGCTCGGACATGAGGGCCTCCT[T>C]CTCATCAGCATGGGCCGTGGCTGGGAGGAAGAACCACAGTCCCAAAGACAGGGAGAGGGC-3'
Protein context (NP_001275634.1, residues 617-637): MLKSTAHADE[Lys627Glu]EALMSELKIM

ClinVar aggregate classification (germline): Uncertain significance. Review status: criteria provided, multiple submitters, no conflicts (2 of 4 stars). 2 submissions from 2 submitters: Uncertain significance (2). Last evaluated 2025-06-25.

Conditions:
Inborn genetic diseases. Identifiers: MedGen C0950123, MeSH D030342.

gnomAD v4.1: 15 of 1,605,712 alleles (0.00093%); highest among the groups gnomAD compares: East Asian, 0.0045%; no homozygotes.

Submissions (2):

Ambry Genetics
Classification: Uncertain significance for Inborn genetic diseases. Last evaluated: 2025-06-25. Review status: criteria provided, single submitter. Criteria: Ambry Variant Classification Scheme 2023. Collection method: clinical testing. Allele origin: germline.

Labcorp Genetics (formerly Invitae), Labcorp
Classification: Uncertain significance. Last evaluated: 2024-12-04. Review status: criteria provided, single submitter. Criteria: Invitae Variant Classification Sherloc (09022015). Collection method: clinical testing. Allele origin: germline.
Comment: This sequence change replaces lysine, which is basic and polar, with glutamic acid, which is acidic and polar, at codon 627 of the CSF1R protein (p.Lys627Glu). This variant is present in population databases (no rsID available, gnomAD 0.006%). This variant has not been reported in the literature in individuals affected with CSF1R-related conditions. Invitae Evidence Modeling of protein sequence and biophysical properties (such as structural, functional, and spatial information, amino acid conservation, physicochemical variation, residue mobility, and thermodynamic stability) indicates that this missense variant is not expected to disrupt CSF1R protein function with a negative predictive value of 95%. In summary, the available evidence is currently insufficient to determine the role of this variant in disease. Therefore, it has been classified as a Variant of Uncertain Significance.